The following is an entry in ClinVar:

NC_000002.11:g.(?_152420500)_(152423885_?)del

Gene: NEB (nebulin; minus strand). Cytogenetic location: 2q23.3.
Variant type: Deletion.
Identifiers: ClinVar variation 3247264 (VCV003247264.1).

ClinVar aggregate classification (germline): Likely pathogenic (1 of 4 stars; one submission).

Conditions:
Nemaline myopathy 2 (NEM2). Also called: Nemaline myopathy 2, autosomal recessive. Identifiers: MedGen C1850569, MONDO:0009725, OMIM 256030.

Submission:

Labcorp Genetics (formerly Invitae), Labcorp
Classification: Likely pathogenic for Nemaline myopathy 2. Last evaluated: 2022-10-17. Review status: criteria provided, single submitter. Criteria: Invitae Variant Classification Sherloc (09022015). Collection method: clinical testing. Allele origin: unknown.
Comment: In summary, the currently available evidence indicates that the variant is pathogenic, but additional data are needed to prove that conclusively. Therefore, this variant has been classified as Likely Pathogenic. ClinVar contains an entry for this variant (Variation ID: 660893). This variant has not been reported in the literature in individuals affected with NEB-related conditions. This variant results in the deletion of exons 115-117 and part of exon 114 (c.17953_18472-56del) of the NEB gene. It is expected to disrupt RNA splicing. Variants that disrupt the donor or acceptor splice site typically lead to a loss of protein function (PMID: 16199547), and loss-of-function variants in NEB are known to be pathogenic (PMID: 25205138).

Literature cited by the submitters: PubMed 16199547; PubMed 25205138.